The following is an entry in ClinVar:

NM_014714.4(IFT140):c.1957T>C (p.Trp653Arg)

Gene: IFT140 (intraflagellar transport 140; minus strand). Cytogenetic location: 16p13.3.
Variant type: single nucleotide variant.
Coding change: c.1957T>C on transcript NM_014714.4 (MANE Select); coding-DNA position 1957, T replaced by C.
Protein change: p.Trp653Arg; replaces tryptophan 653 with arginine.
Molecular consequence: missense variant.
Genome position (GRCh38, 1-based): chr16:1,564,107, A>G on the plus strand (T>C on the coding strand, the complement: IFT140 is on the minus strand). VCF-style: chr16-1564107-A-G. GRCh37 (hg19) VCF-style: chr16-1614108-A-G.
Other names: short protein forms W653R.
Identifiers: ClinVar variation 2081121 (VCV002081121.4), dbSNP rs2507260695, ClinGen allele CA394204988.

ClinVar aggregate classification (germline): Uncertain significance (1 of 4 stars; one submission).

Conditions:
Saldino-Mainzer syndrome (SRTD9). Also called: CONORENAL SYNDROME; Renal dysplasia, retinal pigmentary dystrophy, cerebellar ataxia and skeletal dysplasia; SHORT-RIB THORACIC DYSPLASIA 9 WITHOUT POLYDACTYLY; short-rib thoracic dysplasia 9 with or without polydactyly. Identifiers: Orphanet 140969, MedGen C1849437, MONDO:0009964, OMIM 266920.

Submission:

Labcorp Genetics (formerly Invitae), Labcorp
Classification: Uncertain significance for Saldino-Mainzer syndrome. Last evaluated: 2022-03-28. Review status: criteria provided, single submitter. Criteria: Invitae Variant Classification Sherloc (09022015). Collection method: clinical testing. Allele origin: germline.
Comment: In summary, the available evidence is currently insufficient to determine the role of this variant in disease. Therefore, it has been classified as a Variant of Uncertain Significance. Algorithms developed to predict the effect of missense changes on protein structure and function are either unavailable or do not agree on the potential impact of this missense change (SIFT: "Deleterious"; PolyPhen-2: "Probably Damaging"; Align-GVGD: "Class C0"). This missense change has been observed in individual(s) with retinitis pigmentosa (Invitae). This variant is not present in population databases (gnomAD no frequency). This sequence change replaces tryptophan, which is neutral and slightly polar, with arginine, which is basic and polar, at codon 653 of the IFT140 protein (p.Trp653Arg).